The following is an entry in ClinVar:

ClinVar aggregate classification (germline): Uncertain significance (1 of 4 stars; one submission).

Submission:

GeneDx
Classification: Uncertain significance. Last evaluated: 2024-03-05. Review status: criteria provided, single submitter. Criteria: GeneDx Variant Classification Process June 2021. Collection method: clinical testing. Allele origin: germline. Affected: yes.
Comment: Not observed at significant frequency in large population cohorts (gnomAD); In silico analysis supports that this missense variant has a deleterious effect on protein structure/function; Has not been previously published as pathogenic or benign to our knowledge

NM_005445.4(SMC3):c.485T>C (p.Val162Ala)

Gene: SMC3 (structural maintenance of chromosomes 3; plus strand). Cytogenetic location: 10q25.2.
Variant type: single nucleotide variant.
Coding change: c.485T>C on transcript NM_005445.4 (MANE Select); coding-DNA position 485, T replaced by C.
Protein change: p.Val162Ala; replaces valine 162 with alanine.
Molecular consequence: missense variant.
Genome position (GRCh38, 1-based): chr10:110,580,959, T>C. VCF-style: chr10-110580959-T-C. GRCh37 (hg19) VCF-style: chr10-112340717-T-C.
Other names: short protein forms V162A.
Identifiers: ClinVar variation 3373616 (VCV003373616.1).